The following is an entry in ClinVar:

NM_000814.6(GABRB3):c.416G>A (p.Arg139His)

Gene: GABRB3 (gamma-aminobutyric acid type A receptor subunit beta3; minus strand). Cytogenetic location: 15q12.
Variant type: single nucleotide variant.
Coding change: c.416G>A on transcript NM_000814.6 (MANE Select); coding-DNA position 416, G replaced by A.
Protein change: p.Arg139His; replaces arginine 139 with histidine.
Molecular consequence: missense variant. On other transcripts: non-coding transcript variant (1).
Genome position (GRCh38, 1-based): chr15:26,621,359, C>T on the plus strand (G>A on the coding strand, the complement: GABRB3 is on the minus strand). VCF-style: chr15-26621359-C-T. GRCh37 (hg19) VCF-style: chr15-26866506-C-T.
Other names: c.161G>A, p.Arg54His (NM_001191320.2, NM_001278631.2); c.203G>A, p.Arg68His (NM_001191321.3); c.416G>A, p.Arg139His (NM_021912.5); short protein forms R139H, R54H, R68H.
Identifiers: ClinVar variation 1035997 (VCV001035997.6), dbSNP rs1197311612, ClinGen allele CA391460721.

ClinVar aggregate classification (germline): Uncertain significance (1 of 4 stars; one submission).

Conditions:
Epilepsy, childhood absence, susceptibility to, 1. Also called: Epilepsy, childhood absence 1. Identifiers: Orphanet 64280, MedGen C1838604, MONDO:0020759, OMIM 600131.
Epilepsy, childhood absence, susceptibility to, 5. Identifiers: Orphanet 64280, MedGen C2677087, MONDO:0012843, OMIM 612269.

Allele frequency attached by ClinVar (database versions not stated): gnomAD exomes below 0.00001.
gnomAD v4.1: 1 of 1,614,032 alleles (0.000062%); highest among the groups gnomAD compares: East Asian, 0.0022%; no homozygotes.

Submission:

Labcorp Genetics (formerly Invitae), Labcorp
Classification: Uncertain significance for Epilepsy, childhood absence, susceptibility to, 5; Epilepsy, childhood absence, susceptibility to, 1. Last evaluated: 2022-06-13. Review status: criteria provided, single submitter. Criteria: Invitae Variant Classification Sherloc (09022015). Collection method: clinical testing. Allele origin: germline.
Comment: In summary, the available evidence is currently insufficient to determine the role of this variant in disease. Therefore, it has been classified as a Variant of Uncertain Significance. Advanced modeling of protein sequence and biophysical properties (such as structural, functional, and spatial information, amino acid conservation, physicochemical variation, residue mobility, and thermodynamic stability) performed at Invitae indicates that this missense variant is expected to disrupt GABRB3 protein function. ClinVar contains an entry for this variant (Variation ID: 1035997). This missense change has been observed in individual(s) with generalized epilepsy (Invitae). The frequency data for this variant in the population databases is considered unreliable, as metrics indicate poor data quality at this position in the gnomAD database. This sequence change replaces arginine, which is basic and polar, with histidine, which is basic and polar, at codon 139 of the GABRB3 protein (p.Arg139His).